The following is an entry in ClinVar:

NM_001134831.2(AHI1):c.3486-10C>T

Gene: AHI1 (Abelson helper integration site 1; minus strand). Cytogenetic location: 6q23.3.
Variant type: single nucleotide variant.
Coding change: c.3486-10C>T on transcript NM_001134831.2 (MANE Select); 10 bases into the intron before coding-DNA position 3486, C replaced by T.
Molecular consequence: intron variant.
Genome position (GRCh38, 1-based): chr6:135,290,535, G>A on the plus strand (C>T on the coding strand, the complement: AHI1 is on the minus strand). VCF-style: chr6-135290535-G-A. GRCh37 (hg19) VCF-style: chr6-135611673-G-A.
Other names: c.3486-10C>T (NM_001134830.2, NM_001350503.2, NM_017651.5); c.3486-4888C>T (NM_001350504.2).
Identifiers: ClinVar variation 2443097 (VCV002443097.5), dbSNP rs1782211832, ClinGen allele CA1665838975.

ClinVar aggregate classification (germline): Likely benign. Review status: criteria provided, single submitter (1 of 4 stars). 2 submissions from 2 submitters: Likely benign (1). 1 of the submissions does not count toward it. Last evaluated 2023-05-19.

Conditions:
Joubert syndrome. Also called: CEREBELLOPARENCHYMAL DISORDER IV; JOUBERT-BOLTSHAUSER SYNDROME; Familial aplasia of the vermis. Identifiers: Orphanet 475, MedGen C5979921, MONDO:0018772.

Allele frequency attached by ClinVar (database versions not stated): TOPMed below 0.00001.

Submissions (2):

Labcorp Genetics (formerly Invitae), Labcorp
Classification: Likely benign for Joubert syndrome. Last evaluated: 2023-05-19. Review status: criteria provided, single submitter. Criteria: Invitae Variant Classification Sherloc (09022015). Collection method: clinical testing. Allele origin: germline.

Genetic Services Laboratory, University of Chicago
Classification: Uncertain significance. Last evaluated: 2022-06-14. Review status: no assertion criteria provided. Collection method: clinical testing. Allele origin: germline. Affected: no. Not counted in ClinVar's aggregate classification.
Comment: DNA sequence analysis of the AHI1 gene demonstrated a sequence change in intron 26, c.3486-10C>T. This change does not appear to have been previously described in individuals with AHI1-related disorders and has also not been described in population databases such as ExAC and gnomAD. This sequence change is not predicted to have a significant impact on splicing based on in-silico splice prediction programs. It is possible that this sequence change represents a benign sequence change in the AHI1gene that has not been identified to date. The functional significance of this sequence change is not known at present and its contribution to this individual's disease phenotype cannot definitively be determined.